The following is an entry in ClinVar:

ClinVar aggregate classification (germline): Pathogenic/Likely pathogenic. Review status: criteria provided, multiple submitters, no conflicts (2 of 4 stars). 5 submissions from 5 submitters: Pathogenic (4); Likely pathogenic (1). Last evaluated 2025-12-07.

Conditions:
Congenital myotonia, autosomal recessive form. Also called: Becker Generalized Myotonia; BECKER DISEASE; myotonia congenita, autosomal recessive. Identifiers: Orphanet 614, MedGen C0751360, MONDO:0009715, OMIM 255700.
Congenital myotonia, autosomal dominant form (THD). Also called: THOMSEN DISEASE; Myotonia congenita autosomal dominant. Identifiers: Orphanet 614, MedGen C2936781, MONDO:0008055, OMIM 160800.

Allele frequency attached by ClinVar (database versions not stated): gnomAD exomes 0.00002; ExAC 0.00001.
gnomAD v4.1: 12 of 1,614,168 alleles (0.00074%); highest among the groups gnomAD compares: South Asian, 0.0088%; no homozygotes.

Submissions (5):

Labcorp Genetics (formerly Invitae), Labcorp
Classification: Pathogenic for Congenital myotonia, autosomal recessive form; Congenital myotonia, autosomal dominant form. Last evaluated: 2025-12-07. Review status: criteria provided, single submitter. Criteria: Invitae Variant Classification Sherloc (09022015). Collection method: clinical testing. Allele origin: germline.
Comment: This sequence change creates a premature translational stop signal (p.Gln812*) in the CLCN1 gene. It is expected to result in an absent or disrupted protein product. Loss-of-function variants in CLCN1 are known to be pathogenic (PMID: 17932099, 22094069, 23739125). This variant is present in population databases (rs772150974, gnomAD 0.01%). This premature translational stop signal has been observed in individuals with autosomal recessive myotonia congenita (PMID: 26096614, 32117024). This variant has been reported in individual(s) with autosomal dominant myotonia congenita (PMID: 21221019); however, the role of the variant in this condition is currently unclear. ClinVar contains an entry for this variant (Variation ID: 1459630). For these reasons, this variant has been classified as Pathogenic.

Fulgent Genetics
Classification: Likely pathogenic for Congenital myotonia, autosomal dominant form; Congenital myotonia, autosomal recessive form. Last evaluated: 2024-03-06. Review status: criteria provided, single submitter. Criteria: ACMG Guidelines, 2015. Collection method: clinical testing. Allele origin: germline.

Neuberg Centre For Genomic Medicine, NCGM
Classification: Pathogenic for Congenital myotonia, autosomal recessive form. Last evaluated: 2023-06-22. Review status: criteria provided, single submitter. Criteria: ACMG Guidelines, 2015. Collection method: clinical testing. Allele origin: germline. Inheritance: Autosomal recessive inheritance. Affected: yes.
Comment: The observed stop gained c.2434C>T(p.Gln812Ter) variant in CLCN1 gene has been reported previously in homozygous or compound heterozygous state in individual(s) affected with myotonia congenita (Orsini et al., 2020). This variant is reported with the allele frequency of 0.002% in the gnomAD Exomes. This variant has been reported to the ClinVar database as Pathogenic (multiple submissions). This variant is predicted to cause loss of normal protein function either through protein truncation or nonsense-mediated mRNA decay. Loss of function variants have been previously reported to be disease causing (Brugnoni et al., 2013). Computational evidence (MutationTaster - Disease causing automatic) predicts damaging effect on protein structure and function for this variant. For these reasons, this variant has been classified as Pathogenic.

GeneDx
Classification: Pathogenic. Last evaluated: 2023-03-13. Review status: criteria provided, single submitter. Criteria: GeneDx Variant Classification Process June 2021. Collection method: clinical testing. Allele origin: germline. Affected: yes.
Comment: Reported previously in an individual with myotonia congenita where a second CLCN1 variant was not identified (Modoni et al., 2011); Reported in two siblings with myotonia who harbored additional likely benign variants in the CLCN1 gene (Brugnoni et al., 2013); Nonsense variant predicted to result in protein truncation or nonsense mediated decay in a gene for which loss of function is a known mechanism of disease; Not observed at significant frequency in large population cohorts (gnomAD); This variant is associated with the following publications: (PMID: 25525159, 26510092, 32117024, 28427807, 23739125, 26096614, 21221019, 22521272)

MGZ Medical Genetics Center
Classification: Pathogenic for Congenital myotonia, autosomal recessive form. Last evaluated: 2021-11-22. Review status: criteria provided, single submitter. Criteria: ACMG Guidelines, 2015. Collection method: clinical testing. Allele origin: germline. Affected: yes. Observed: 1 variant allele.
Comment: ACMG criteria applied: PVS1, PM3_STR, PS4_MOD, PM2_SUP, PP4

Literature cited by the submitters: PubMed 17932099 (cited by Labcorp Genetics (formerly Invitae), Labcorp); PubMed 22094069 (cited by Labcorp Genetics (formerly Invitae), Labcorp); PubMed 23739125 (cited by Labcorp Genetics (formerly Invitae), Labcorp); PubMed 26096614 (cited by Labcorp Genetics (formerly Invitae), Labcorp); PubMed 32117024 (cited by Labcorp Genetics (formerly Invitae), Labcorp); PubMed 21221019 (cited by Labcorp Genetics (formerly Invitae), Labcorp).

NM_000083.3(CLCN1):c.2434C>T (p.Gln812Ter)

Gene: CLCN1 (chloride voltage-gated channel 1; plus strand). Cytogenetic location: 7q34.
Variant type: single nucleotide variant.
Coding change: c.2434C>T on transcript NM_000083.3 (MANE Select); coding-DNA position 2434, C replaced by T.
Protein change: p.Gln812Ter; replaces glutamine 812 with a stop codon.
Molecular consequence: nonsense. On other transcripts: non-coding transcript variant (1).
Genome position (GRCh38, 1-based): chr7:143,350,402, C>T. VCF-style: chr7-143350402-C-T. GRCh37 (hg19) VCF-style: chr7-143047495-C-T.
Other names: c.2434C>T (NM_000083.2); short protein forms Q812*.
Identifiers: ClinVar variation 1459630 (VCV001459630.12), dbSNP rs772150974, ClinGen allele CA4537686.
Genomic context (GRCh38, chr7:143,350,402, plus strand): 5'-TTTTCGTGACTTTCCTCCTCTGGCTGACAGATTGAGGCCTGGGAGCAGGAGCAGCTGAGC[C>T]AGCCTGTCTGTTTTGATTCCTGCTGTATTGACCAGTCTCCCTTCCAGCTGGTGGAGCAGA-3'